The following is an entry in ClinVar:

ClinVar aggregate classification (germline): Uncertain significance (1 of 4 stars; one submission).

Allele frequency attached by ClinVar (database versions not stated): TOPMed below 0.00001; ESP Exome Variant Server 0.00008; gnomAD exomes below 0.00001.
gnomAD v4.1: 1 of 1,614,016 alleles (0.000062%); no homozygotes.

Submission:

CeGaT Center for Human Genetics Tuebingen
Classification: Uncertain significance. Last evaluated: 2022-09-01. Review status: criteria provided, single submitter. Criteria: CeGaT Center For Human Genetics Tuebingen Variant Classification Criteria Version 2. Collection method: clinical testing. Allele origin: germline. Affected: yes. Observed: 1 variant allele.
Comment: CSNK1E: PP2

NM_152221.3(CSNK1E):c.37C>T (p.Arg13Trp)

Genes: CSNK1E (casein kinase 1 epsilon; minus strand), TPTEP2-CSNK1E (TPTEP2-CSNK1E readthrough; minus strand). Cytogenetic location: 22q13.1.
Variant type: single nucleotide variant.
Coding change: c.37C>T on transcript NM_152221.3 (MANE Select); coding-DNA position 37, C replaced by T.
Protein change: p.Arg13Trp; replaces arginine 13 with tryptophan.
Molecular consequence: missense variant.
Genome position (GRCh38, 1-based): chr22:38,314,121, G>A on the plus strand (C>T on the coding strand, the complement: CSNK1E is on the minus strand). VCF-style: chr22-38314121-G-A. GRCh37 (hg19) VCF-style: chr22-38710126-G-A.
Other names: c.37C>T, p.Arg13Trp (NM_001289912.2, NM_001894.5); short protein forms R13W.
Identifiers: ClinVar variation 2653138 (VCV002653138.24), dbSNP rs370329105, ClinGen allele CA324218270.